The following is an entry in ClinVar:

ClinVar aggregate classification (germline): Uncertain significance. Review status: criteria provided, multiple submitters, no conflicts (2 of 4 stars). 2 submissions from 2 submitters: Uncertain significance (2). Last evaluated 2024-09-17.

Conditions:
Hereditary cancer-predisposing syndrome. Also called: Hereditary Cancer Syndrome; Hereditary neoplastic syndrome; Neoplastic Syndromes, Hereditary; Tumor predisposition. Identifiers: Orphanet 140162, MedGen C0027672, MeSH D009386, MONDO:0015356.

Allele frequency attached by ClinVar (database versions not stated): gnomAD exomes below 0.00001.
gnomAD v4.1: 2 of 1,613,904 alleles (0.00012%); highest among the groups gnomAD compares: South Asian, 0.0022%; no homozygotes.

Submissions (2):

Labcorp Genetics (formerly Invitae), Labcorp
Classification: Uncertain significance. Last evaluated: 2024-09-17. Review status: criteria provided, single submitter. Criteria: Invitae Variant Classification Sherloc (09022015). Collection method: clinical testing. Allele origin: germline.
Comment: This sequence change replaces histidine, which is basic and polar, with arginine, which is basic and polar, at codon 204 of the FH protein (p.His204Arg). This variant is not present in population databases (gnomAD no frequency). This variant has not been reported in the literature in individuals affected with FH-related conditions. ClinVar contains an entry for this variant (Variation ID: 405915). Invitae Evidence Modeling of protein sequence and biophysical properties (such as structural, functional, and spatial information, amino acid conservation, physicochemical variation, residue mobility, and thermodynamic stability) indicates that this missense variant is not expected to disrupt FH protein function with a negative predictive value of 80%. In summary, the available evidence is currently insufficient to determine the role of this variant in disease. Therefore, it has been classified as a Variant of Uncertain Significance.

Ambry Genetics
Classification: Uncertain significance for Hereditary cancer-predisposing syndrome. Last evaluated: 2024-04-08. Review status: criteria provided, single submitter. Criteria: Ambry Variant Classification Scheme 2023. Collection method: clinical testing. Allele origin: germline.
Comment: The p.H204R variant (also known as c.611A>G), located in coding exon 5 of the FH gene, results from an A to G substitution at nucleotide position 611. The histidine at codon 204 is replaced by arginine, an amino acid with highly similar properties. This amino acid position is well conserved in available vertebrate species. In addition, the in silico prediction for this alteration is inconclusive. Based on the available evidence, the clinical significance of this variant remains unclear.

NM_000143.4(FH):c.611A>G (p.His204Arg)

Gene: FH (fumarate hydratase; minus strand). Cytogenetic location: 1q43.
Variant type: single nucleotide variant.
Coding change: c.611A>G on transcript NM_000143.4 (MANE Select); coding-DNA position 611, A replaced by G.
Protein change: p.His204Arg; replaces histidine 204 with arginine.
Molecular consequence: missense variant.
Genome position (GRCh38, 1-based): chr1:241,508,730, T>C on the plus strand (A>G on the coding strand, the complement: FH is on the minus strand). VCF-style: chr1-241508730-T-C. GRCh37 (hg19) VCF-style: chr1-241672030-T-C.
Other names: short protein forms H204R.
Identifiers: ClinVar variation 405915 (VCV000405915.12), dbSNP rs1060500898, ClinGen allele CA16610080.